The following is an entry in ClinVar:

ClinVar aggregate classification (germline): Likely pathogenic (1 of 4 stars; one submission).

Submission:

Quest Diagnostics Nichols Institute San Juan Capistrano
Classification: Likely pathogenic. Last evaluated: 2021-08-09. Review status: criteria provided, single submitter. Criteria: ACMG/ClinGen CNV Guidelines, 2019. Collection method: clinical testing. Allele origin: unknown.
Comment: The copy number gain of 1p22.3 involves three protein-coding genes. Copy number gains of this locus have not yet been associated with a clinical phenotype, and there are no similar copy number gains of this region in the general populations of the Database of Genomic Variants. Thus, the clinical significance of this copy number variant (CNV) is uncertain. The copy number loss of 6q25.3 involves the first exon (NM_001374820.1) of ARID1B (OMIM 614556). It is not clear whether expression of this gene has been disrupted by this partial gain. Haploinsufficiency of ARID1B is associated with clinical phenotypes ranging from classic Coffin-Siris syndrome (CSS) (OMIM 135900) to intellectual disability with or without nonspecific dysmorphic features. CSS is characterized by variable degrees of intellectual disability, speech impairment, coarse facial features, hypertrichosis, sparse scalp hair, and hypoplastic or absent fifth fingernails or toenails. Thus, based on literature review and gene content, this copy number loss is interpreted as likely pathogenic.

GRCh37/hg19 1p22.3(chr1:85667594-85875622)x3

Genes: BCL10 (BCL10 immune signaling adaptor; minus strand), C1orf52 (chromosome 1 open reading frame 52; minus strand), DDAH1 (dimethylarginine dimethylaminohydrolase 1; minus strand). Cytogenetic location: 1p22.3.
Variant type: copy number gain.
Change: copy number 3 (three copies instead of two) of chr1:85,667,594-85,875,622 (208.0 kb, GRCh37 coordinates, 1-based), cytogenetic band 1p22.3.
Identifiers: ClinVar variation 1807732 (VCV001807732.1).